The following is an entry in ClinVar:

ClinVar aggregate classification (germline): Conflicting classifications of pathogenicity. Review status: criteria provided, conflicting classifications (1 of 4 stars). 2 submissions from 1 submitter: Uncertain significance (1); Likely benign (1). Last evaluated 2018-01-13.

Conditions:
Dilated cardiomyopathy 1HH (CMD1HH). Identifiers: Orphanet 154, MedGen C3151293, MONDO:0013479, OMIM 613881.
Myofibrillar myopathy 6. Identifiers: Orphanet 199340, MedGen C2751831, MONDO:0013061, OMIM 612954.

Allele frequency attached by ClinVar (database versions not stated): gnomAD exomes 0.00015; 1000 Genomes Project 0.00100; 1000 Genomes Project 30x 0.00109; gnomAD 0.00142 and 0.00153; TOPMed 0.00158.
gnomAD v4.1: 275 of 535,730 alleles (0.051%); highest among the groups gnomAD compares: African/African-American, 0.49%; no homozygotes.

Submissions (2):

Illumina Laboratory Services, Illumina
Classification: Likely benign for Myofibrillar myopathy 6. Last evaluated: 2018-01-13. Review status: criteria provided, single submitter. Criteria: ICSL Variant Classification Criteria 13 December 2019. Collection method: clinical testing. Allele origin: germline.
Comment: This variant was observed in the ICSL laboratory as part of a predisposition screen in an ostensibly healthy population. It had not been previously curated by ICSL or reported in the Human Gene Mutation Database (HGMD: prior to June 1st, 2018), and was therefore a candidate for classification through an automated scoring system. Utilizing variant allele frequency, disease prevalence and penetrance estimates, and inheritance mode, an automated score was calculated to assess if this variant is too frequent to cause the disease. Based on the score and internal cut-off values, a variant classified as likely benign is not then subjected to further curation. The score for this variant resulted in a classification of likely benign for this disease.

Illumina Laboratory Services, Illumina
Classification: Uncertain significance for Dilated cardiomyopathy 1HH. Last evaluated: 2018-01-13. Review status: criteria provided, single submitter. Criteria: ICSL Variant Classification Criteria 13 December 2019. Collection method: clinical testing. Allele origin: germline.

NM_004281.4(BAG3):c.*267C>A

Gene: BAG3 (BAG cochaperone 3; plus strand). Cytogenetic location: 10q26.11.
Variant type: single nucleotide variant.
Coding change: c.*267C>A on transcript NM_004281.4 (MANE Select); 267 bases downstream of the stop codon, C replaced by A.
Molecular consequence: 3 prime UTR variant.
Genome position (GRCh38, 1-based): chr10:119,677,549, C>A. VCF-style: chr10-119677549-C-A. GRCh37 (hg19) VCF-style: chr10-121437061-C-A.
Identifiers: ClinVar variation 298968 (VCV000298968.5), dbSNP rs552025009, ClinGen allele CA10634773.